The following is an entry in ClinVar:

ClinVar aggregate classification (germline): Uncertain significance (1 of 4 stars; one submission).

Conditions:
Nephronophthisis. Also called: Juvenile Nephronophthisis. Identifiers: Orphanet 655, MedGen C0687120, MONDO:0019005, HP:0000090.

Allele frequency attached by ClinVar (database versions not stated): TOPMed below 0.00001.

Submission:

Labcorp Genetics (formerly Invitae), Labcorp
Classification: Uncertain significance for Nephronophthisis. Last evaluated: 2025-01-27. Review status: criteria provided, single submitter. Criteria: Invitae Variant Classification Sherloc (09022015). Collection method: clinical testing. Allele origin: germline.
Comment: This sequence change falls in intron 4 of the IQCB1 gene. It does not directly change the encoded amino acid sequence of the IQCB1 protein. It affects a nucleotide within the consensus splice site. This variant is not present in population databases (gnomAD no frequency). This variant has not been reported in the literature in individuals affected with IQCB1-related conditions. ClinVar contains an entry for this variant (Variation ID: 1379826). Variants that disrupt the consensus splice site are a relatively common cause of aberrant splicing (PMID: 17576681, 9536098). Algorithms developed to predict the effect of sequence changes on RNA splicing suggest that this variant is not likely to affect RNA splicing. In summary, the available evidence is currently insufficient to determine the role of this variant in disease. Therefore, it has been classified as a Variant of Uncertain Significance.

Literature cited by the submitters: PubMed 17576681; PubMed 9536098.

NM_001023570.4(IQCB1):c.264-3C>T

Gene: IQCB1 (IQ motif containing B1; minus strand). Cytogenetic location: 3q13.33.
Variant type: single nucleotide variant.
Coding change: c.264-3C>T on transcript NM_001023570.4 (MANE Select); 3 bases into the intron before coding-DNA position 264, C replaced by T.
Molecular consequence: intron variant.
Genome position (GRCh38, 1-based): chr3:121,826,183, G>A on the plus strand (C>T on the coding strand, the complement: IQCB1 is on the minus strand). VCF-style: chr3-121826183-G-A. GRCh37 (hg19) VCF-style: chr3-121545030-G-A.
Other names: c.264-3C>T (NM_001319107.2, NM_001023571.4).
Identifiers: ClinVar variation 1379826 (VCV001379826.6), dbSNP rs1950460725, ClinGen allele CA1397678136.